The following is an entry in ClinVar:

ClinVar aggregate classification (germline): Uncertain significance (1 of 4 stars; one submission).

Conditions:
Neuropathy, hereditary sensory, type 1F. Also called: Hereditary sensory neuropathy type IF; HSN IF. Identifiers: Orphanet 36386, MedGen C3810194, MONDO:0014286, OMIM 615632.

Submission:

Labcorp Genetics (formerly Invitae), Labcorp
Classification: Uncertain significance for Neuropathy, hereditary sensory, type 1F. Last evaluated: 2022-07-30. Review status: criteria provided, single submitter. Criteria: Invitae Variant Classification Sherloc (09022015). Collection method: clinical testing. Allele origin: germline.
Comment: This sequence change replaces lysine, which is basic and polar, with arginine, which is basic and polar, at codon 360 of the ATL3 protein (p.Lys360Arg). This variant is not present in population databases (gnomAD no frequency). This variant has not been reported in the literature in individuals affected with ATL3-related conditions. Algorithms developed to predict the effect of missense changes on protein structure and function are either unavailable or do not agree on the potential impact of this missense change (SIFT: "Tolerated"; PolyPhen-2: "Probably Damaging"; Align-GVGD: "Class C0"). In summary, the available evidence is currently insufficient to determine the role of this variant in disease. Therefore, it has been classified as a Variant of Uncertain Significance.

NM_015459.5(ATL3):c.1079A>G (p.Lys360Arg)

Genes: ATL3 (atlastin GTPase 3; minus strand), LNCROPM (lncRNA regulator of PLAAT3 mediated phospholipid metabolism; plus strand). Cytogenetic location: 11q13.1.
Variant type: single nucleotide variant.
Coding change: c.1079A>G on transcript NM_015459.5 (MANE Select); coding-DNA position 1079, A replaced by G.
Protein change: p.Lys360Arg; replaces lysine 360 with arginine.
Molecular consequence: missense variant.
Genome position (GRCh38, 1-based): chr11:63,633,054, T>C on the plus strand (A>G on the coding strand, the complement: ATL3 is on the minus strand). VCF-style: chr11-63633054-T-C. GRCh37 (hg19) VCF-style: chr11-63400526-T-C.
Other names: c.1025A>G, p.Lys342Arg (NM_001290048.2); short protein forms K342R, K360R.
Identifiers: ClinVar variation 1714333 (VCV001714333.5), dbSNP rs2495627585, ClinGen allele CA381025763.